The following is an entry in ClinVar:

NM_001371623.1(TCOF1):c.4429A>T (p.Lys1477Ter)

Gene: TCOF1 (treacle ribosome biogenesis factor 1; plus strand). Cytogenetic location: 5q32.
Variant type: single nucleotide variant.
Coding change: c.4429A>T on transcript NM_001371623.1 (MANE Select); coding-DNA position 4429, A replaced by T.
Protein change: p.Lys1477Ter; replaces lysine 1477 with a stop codon.
Molecular consequence: nonsense.
Genome position (GRCh38, 1-based): chr5:150,398,437, A>T. VCF-style: chr5-150398437-A-T. GRCh37 (hg19) VCF-style: chr5-149778000-A-T.
Other names: c.4195A>T, p.Lys1399Ter (NM_000356.4); c.4426A>T, p.Lys1476Ter (NM_001135243.2); c.4315A>T, p.Lys1439Ter (NM_001135244.2); c.4198A>T, p.Lys1400Ter (NM_001135245.2); c.4312A>T, p.Lys1438Ter (NM_001195141.2); short protein forms K1399*, K1400*, K1438*, K1476*, K1439*, K1477*.
Identifiers: ClinVar variation 972148 (VCV000972148.8), dbSNP rs1769042136, ClinGen allele CA361745864.
Genomic context (GRCh38, chr5:150,398,437, plus strand): 5'-GAAAAGAAGAAGAAAGCAAAAAAGGCCTCAACCAAAGATTCTGAGTCACCGTCCCAGAAG[A>T]AAAAGAAGAAAAAGGTAGAGAGTTCCTGGGGTGTCTCAGGCCAGAAAACAGACCCAAACC-3'

ClinVar aggregate classification (germline): Pathogenic (1 of 4 stars; one submission).

Conditions:
Treacher Collins syndrome 1 (TCS1). Also called: TCOF1-Related Treacher Collins Syndrome. Identifiers: Orphanet 861, MedGen CN315775, MONDO:0007944, OMIM 154500.

Submission:

Labcorp Genetics (formerly Invitae), Labcorp
Classification: Pathogenic for Treacher Collins syndrome 1. Last evaluated: 2019-11-07. Review status: criteria provided, single submitter. Criteria: Invitae Variant Classification Sherloc (09022015). Collection method: clinical testing. Allele origin: germline.
Comment: For these reasons, this variant has been classified as Pathogenic. Loss-of-function variants in TCOF1 are known to be pathogenic (PMID: 8894686, 22317976). Algorithms developed to predict the effect of sequence changes on RNA splicing suggest that this variant may create or strengthen a splice site, but this prediction has not been confirmed by published transcriptional studies. This variant has not been reported in the literature in individuals with TCOF1-related conditions. This variant is not present in population databases (ExAC no frequency). This sequence change creates a premature translational stop signal (p.Lys1476*) in the TCOF1 gene. It is expected to result in an absent or disrupted protein product.

Literature cited by the submitters: PubMed 8894686; PubMed 22317976.